The following is an entry in ClinVar:

ClinVar aggregate classification (germline): Conflicting classifications of pathogenicity. Review status: criteria provided, conflicting classifications (1 of 4 stars). 3 submissions from 3 submitters: Uncertain significance (1); Likely benign (2). Last evaluated 2025-12-31.

Conditions:
Early-infantile DEE. Also called: Early infantile epileptic encephalopathy; Ohtahara syndrome; Early infantile epileptic encephalopathy with suppression bursts. Identifiers: Orphanet 1934, MedGen C0393706, MONDO:0800491.

Allele frequency attached by ClinVar (database versions not stated): gnomAD below 0.00001 and 0.00001; gnomAD exomes below 0.00001 and 0.00001.
gnomAD v4.1: 9 of 1,613,702 alleles (0.00056%); highest among the groups gnomAD compares: South Asian, 0.0055%; no homozygotes.

Submissions (3):

GeneDx
Classification: Uncertain significance. Last evaluated: 2025-12-31. Review status: criteria provided, single submitter. Criteria: GeneDx Variant Classification Process June 2021. Collection method: clinical testing. Allele origin: germline.
Comment: Reported in a patient with juvenile absence epilepsy and febrile seizures, however the variant was not observed in the patient's affected sibling or parent (PMID: 11254445); Not observed at significant frequency in large population cohorts (gnomAD); In silico analysis suggests that this missense variant does not alter protein structure/function; This substitution is predicted to be within the cytoplasmic loop between the first and second homologous domains; This variant is associated with the following publications: (PMID: 11254445)

Labcorp Genetics (formerly Invitae), Labcorp
Classification: Likely benign for Early-infantile DEE. Last evaluated: 2024-09-30. Review status: criteria provided, single submitter. Criteria: Invitae Variant Classification Sherloc (09022015). Collection method: clinical testing. Allele origin: germline.

CeGaT Center for Human Genetics Tuebingen
Classification: Likely benign. Last evaluated: 2024-09-01. Review status: criteria provided, single submitter. Criteria: CeGaT Center For Human Genetics Tuebingen Variant Classification Criteria Version 2. Collection method: clinical testing. Allele origin: germline. Affected: yes. Observed: 2 variant alleles.
Comment: SCN1A: BP5

NM_001165963.4(SCN1A):c.2095G>A (p.Val699Ile)

Gene: SCN1A (sodium voltage-gated channel alpha subunit 1; minus strand). Cytogenetic location: 2q24.3.
Variant type: single nucleotide variant.
Coding change: c.2095G>A on transcript NM_001165963.4 (MANE Select); coding-DNA position 2095, G replaced by A.
Protein change: p.Val699Ile; replaces valine 699 with isoleucine.
Molecular consequence: missense variant. On other transcripts: 5 prime UTR variant (1), non-coding transcript variant (1).
Genome position (GRCh38, 1-based): chr2:166,042,373, C>T on the plus strand (G>A on the coding strand, the complement: SCN1A is on the minus strand). VCF-style: chr2-166042373-C-T. GRCh37 (hg19) VCF-style: chr2-166898883-C-T.
Other names: c.2011G>A, p.Val671Ile (NM_001165964.3, NM_001353957.2, NM_001353958.2); c.2095G>A, p.Val699Ile (NM_001202435.3, NM_001353948.2); c.2062G>A, p.Val688Ile (NM_001353949.2, NM_001353950.2, NM_001353951.2 and 2 more transcripts); c.2059G>A, p.Val687Ile (NM_001353954.2, NM_001353955.2); c.2008G>A, p.Val670Ile (NM_001353960.2); c.-364G>A (NM_001353961.2); short protein forms V671I, V687I, V699I, V670I, V688I.
Identifiers: ClinVar variation 833748 (VCV000833748.51), dbSNP rs1260934774, ClinGen allele CA349065967.
Genomic context (GRCh38, chr2:166,042,373, plus strand): 5'-TGCTGGCTATACTCATTGCTCGTTGCCTTTGGGAAGGATCTTCTAGAAAGTCCATGGAAA[C>T]GTGGAAAGAACTTGACCTTCTCTTTCTCATTTCAGTTTCAGTGGTTGTTCCCTGTAAAAA-3'
Protein context (NP_001159435.1, residues 689-709): MRKRRSSSFH[Val699Ile]SMDFLEDPSQ